The following is an entry in ClinVar:

NM_001287.6(CLCN7):c.608G>A (p.Gly203Asp)

Gene: CLCN7 (Cl-/H+ antiporter 7; minus strand). Cytogenetic location: 16p13.3.
Variant type: single nucleotide variant.
Coding change: c.608G>A on transcript NM_001287.6 (MANE Select); coding-DNA position 608, G replaced by A.
Protein change: p.Gly203Asp; replaces glycine 203 with aspartic acid.
Molecular consequence: missense variant.
Genome position (GRCh38, 1-based): chr16:1,459,174, C>T on the plus strand (G>A on the coding strand, the complement: CLCN7 is on the minus strand). VCF-style: chr16-1459174-C-T. GRCh37 (hg19) VCF-style: chr16-1509175-C-T.
Other names: c.536G>A, p.Gly179Asp (NM_001114331.3); short protein forms G179D, G203D.
Identifiers: ClinVar variation 2431830 (VCV002431830.1), dbSNP rs2505840413, ClinGen allele CA394192000.

ClinVar aggregate classification (germline): Uncertain significance (1 of 4 stars; one submission).

Conditions:
Autosomal recessive osteopetrosis 4. Also called: infantile malignant CLCN7-related recessive osteopetrosis; CLCN7-Related Osteopetrosis. Identifiers: Orphanet 667, MedGen C1969106, MONDO:0012676, OMIM 611490.

Allele frequency attached by ClinVar (database versions not stated): gnomAD exomes below 0.00001.
gnomAD v4.1: 1 of 1,613,166 alleles (0.000062%); highest among the groups gnomAD compares: Non-Finnish European, 0.000085%; no homozygotes.

Submission:

Laboratorio de Genetica e Diagnostico Molecular, Hospital Israelita Albert Einstein
Classification: Uncertain significance for Autosomal recessive osteopetrosis 4. Last evaluated: 2023-01-06. Review status: criteria provided, single submitter. Criteria: ACMG Guidelines, 2015. Collection method: clinical testing. Allele origin: germline. Affected: yes. Observed: 1 variant allele.
Comment: ACMG classification criteria: PS4 supporting, PM2 moderated, PP3 supporting